The following is an entry in ClinVar:

ClinVar aggregate classification (germline): Uncertain significance (1 of 4 stars; one submission).

Conditions:
Familial melanoma. Also called: Hereditary melanoma; Hereditary cutaneous melanoma. Identifiers: Orphanet 618, MedGen C1512419, MONDO:0018961.

gnomAD v4.1: 1 of 1,614,230 alleles (0.000062%); highest among the groups gnomAD compares: South Asian, 0.0011%; no homozygotes.

Submission:

Labcorp Genetics (formerly Invitae), Labcorp
Classification: Uncertain significance for Familial melanoma. Last evaluated: 2022-04-17. Review status: criteria provided, single submitter. Criteria: Invitae Variant Classification Sherloc (09022015). Collection method: clinical testing. Allele origin: germline.
Comment: In summary, the available evidence is currently insufficient to determine the role of this variant in disease. Therefore, it has been classified as a Variant of Uncertain Significance. Advanced modeling of protein sequence and biophysical properties (such as structural, functional, and spatial information, amino acid conservation, physicochemical variation, residue mobility, and thermodynamic stability) performed at Invitae indicates that this missense variant is expected to disrupt CDK4 protein function. This variant has not been reported in the literature in individuals affected with CDK4-related conditions. This variant is present in population databases (no rsID available, gnomAD 0.003%). This sequence change replaces glutamine, which is neutral and polar, with histidine, which is basic and polar, at codon 222 of the CDK4 protein (p.Gln222His).

NM_000075.4(CDK4):c.666G>C (p.Gln222His)

Genes: CDK4 (cyclin dependent kinase 4; minus strand), TSPAN31 (tetraspanin 31; plus strand). Cytogenetic location: 12q14.1.
Variant type: single nucleotide variant.
Coding change: c.666G>C on transcript NM_000075.4 (MANE Select); coding-DNA position 666, G replaced by C.
Protein change: p.Gln222His; replaces glutamine 222 with histidine.
Molecular consequence: missense variant. On other transcripts: 3 prime UTR variant (3).
Genome position (GRCh38, 1-based): chr12:57,749,471, C>G on the plus strand (G>C on the coding strand, the complement: CDK4 is on the minus strand). VCF-style: chr12-57749471-C-G. GRCh37 (hg19) VCF-style: chr12-58143254-C-G.
Other names: c.*2181C>G (NM_001330168.2, NM_001330169.2, NM_005981.5); short protein forms Q222H.
Identifiers: ClinVar variation 1976476 (VCV001976476.5), dbSNP rs1324120646, ClinGen allele CA385543981.
Genomic context (GRCh38, chr12:57,749,471, plus strand): 5'-GACTCAGAATAGAAAATCTTTTTCTCCCATGTTGGTCACTTACTCAAAGATTTTGCCCAA[C>G]TGGTCGGCTTCAGAGTTTCCACAGAAGAGAGGCCTAAGGTGAGAAGGGATATAAGGTAGC-3'
Protein context (NP_000066.1, residues 212-232): PLFCGNSEAD[Gln222His]LGKIFDLIGL